The following is an entry in ClinVar:

NM_206933.4(USH2A):c.14583-26A>G

Gene: USH2A (usherin; minus strand). Cytogenetic location: 1q41.
Variant type: single nucleotide variant.
Coding change: c.14583-26A>G on transcript NM_206933.4 (MANE Select); 26 bases into the intron before coding-DNA position 14583, A replaced by G.
Molecular consequence: intron variant.
Genome position (GRCh38, 1-based): chr1:215,647,756, T>C on the plus strand (A>G on the coding strand, the complement: USH2A is on the minus strand). VCF-style: chr1-215647756-T-C. GRCh37 (hg19) VCF-style: chr1-215821098-T-C.
Identifiers: ClinVar variation 4688392 (VCV004688392.1).

ClinVar aggregate classification (germline): Uncertain significance (1 of 4 stars; one submission).

gnomAD v4.1: 7 of 1,610,934 alleles (0.00043%); highest among the groups gnomAD compares: Non-Finnish European, 0.00059%; no homozygotes.

Submission:

Women's Health and Genetics/Laboratory Corporation of America, LabCorp
Classification: Uncertain significance. Last evaluated: 2025-12-11. Review status: criteria provided, single submitter. Criteria: LabCorp Variant Classification Summary - May 2015. Collection method: clinical testing. Allele origin: germline.
Comment: Variant summary: USH2A c.14583-26A>G is located at a position not widely known to affect splicing. Consensus agreement among computation tools predict no significant impact on normal splicing. At least one publication reports experimental evidence that this variant affects mRNA splicing (example: Reurink_2023). The variant was absent in 249508 control chromosomes. c.14583-26A>G has been observed in individual(s) affected with Usher Syndrome (example: Reurink_2023). These data do not allow any conclusion about variant significance. The following publication has been ascertained in the context of this evaluation (PMID: 36785559). No submitters have cited clinical-significance assessments for this variant to ClinVar. Based on the evidence outlined above, the variant was classified as VUS-possibly pathogenic.

Literature cited by the submitters: PubMed 36785559.